The following is an entry in ClinVar:

ClinVar aggregate classification (germline): Benign (0 of 4 stars; one submission).

Conditions:
MUC16-related disorder. Also called: MUC16-related condition.

Allele frequency attached by ClinVar (database versions not stated): gnomAD 0.00039; TOPMed 0.00057; 1000 Genomes Project 30x 0.00172; 1000 Genomes Project 0.00200.

Submission:

PreventionGenetics, part of Exact Sciences
Classification: Benign for MUC16-related condition. Last evaluated: 2019-12-18. Review status: no assertion criteria provided. Collection method: clinical testing. Allele origin: germline.
Comment: This variant is classified as benign based on ACMG/AMP sequence variant interpretation guidelines (Richards et al. 2015 PMID: 25741868, with internal and published modifications).

NM_001401501.2(MUC16):c.6620C>T (p.Pro2207Leu)

Gene: MUC16 (mucin 16, cell surface associated; minus strand). Cytogenetic location: 19p13.2.
Variant type: single nucleotide variant.
Coding change: c.6620C>T on transcript NM_001401501.2 (MANE Select); coding-DNA position 6620, C replaced by T.
Protein change: p.Pro2207Leu; replaces proline 2207 with leucine.
Molecular consequence: missense variant.
Genome position (GRCh38, 1-based): chr19:8,974,639, G>A on the plus strand (C>T on the coding strand, the complement: MUC16 is on the minus strand). VCF-style: chr19-8974639-G-A. GRCh37 (hg19) VCF-style: chr19-9085315-G-A.
Other names: c.7046C>T, p.Pro2349Leu (NM_001414686.1); c.6500C>T, p.Pro2167Leu (NM_001414687.1, NM_024690.2); short protein forms P2167L, P2207L, P2349L.
Identifiers: ClinVar variation 3048264 (VCV003048264.2), dbSNP rs191192188, ClinGen allele CA9172403.